The following is an entry in ClinVar:

NM_201550.4(LRRC10):c.296A>G (p.Gln99Arg)

Gene: LRRC10 (leucine rich repeat containing 10; minus strand). Cytogenetic location: 12q15.
Variant type: single nucleotide variant.
Coding change: c.296A>G on transcript NM_201550.4 (MANE Select); coding-DNA position 296, A replaced by G.
Protein change: p.Gln99Arg; replaces glutamine 99 with arginine.
Molecular consequence: missense variant.
Genome position (GRCh38, 1-based): chr12:69,610,543, T>C on the plus strand (A>G on the coding strand, the complement: LRRC10 is on the minus strand). VCF-style: chr12-69610543-T-C. GRCh37 (hg19) VCF-style: chr12-70004323-T-C.
Other names: c.296A>G (NM_201550.2); short protein forms Q99R.
Identifiers: ClinVar variation 2137545 (VCV002137545.2), dbSNP rs777092382, ClinGen allele CA6681093.
Genomic context (GRCh38, chr12:69,610,543, plus strand): 5'-AGGCTCAGCTCACTGGGGAGGTCGCAGAGTTTGTTGTTGCCCAGGTAGAGGATGCAGAGC[T>C]GTTTCAAGGTGCACACCACCTGGGGCAGAGCCTTGAAGTTGTTGAAATCCAAGGCCAGAA-3'
Protein context (NP_963844.2, residues 89-109): ALPQVVCTLK[Gln99Arg]LCILYLGNNK

ClinVar aggregate classification (germline): Uncertain significance. Review status: criteria provided, multiple submitters, no conflicts (2 of 4 stars). 2 submissions from 2 submitters: Uncertain significance (2). Last evaluated 2023-09-29.

Conditions:
Dilated Cardiomyopathy, Dominant.

Allele frequency attached by ClinVar (database versions not stated): ExAC 0.00001; gnomAD 0.00001; TOPMed 0.00001.
gnomAD v4.1: 7 of 1,613,978 alleles (0.00043%); highest among the groups gnomAD compares: Non-Finnish European, 0.00017%; no homozygotes.

Submissions (2):

Ambry Genetics
Classification: Uncertain significance. Last evaluated: 2023-09-29. Review status: criteria provided, single submitter. Criteria: Ambry Variant Classification Scheme 2023. Collection method: clinical testing. Allele origin: germline.

Labcorp Genetics (formerly Invitae), Labcorp
Classification: Uncertain significance. Last evaluated: 2022-03-28. Review status: criteria provided, single submitter. Criteria: Invitae Variant Classification Sherloc (09022015). Collection method: clinical testing. Allele origin: germline.
Comment: This sequence change replaces glutamine, which is neutral and polar, with arginine, which is basic and polar, at codon 99 of the LRRC10 protein (p.Gln99Arg). This variant is present in population databases (rs777092382, gnomAD 0.01%). This variant has not been reported in the literature in individuals affected with LRRC10-related conditions. Algorithms developed to predict the effect of missense changes on protein structure and function output the following: SIFT: "Tolerated"; PolyPhen-2: "Benign"; Align-GVGD: "Class C0". The arginine amino acid residue is found in multiple mammalian species, which suggests that this missense change does not adversely affect protein function. In summary, the available evidence is currently insufficient to determine the role of this variant in disease. Therefore, it has been classified as a Variant of Uncertain Significance.